The following is an entry in ClinVar:

ClinVar aggregate classification (germline): Uncertain significance (1 of 4 stars; one submission).

Conditions:
Hereditary cancer-predisposing syndrome. Also called: Neoplastic Syndromes, Hereditary; Tumor predisposition; Hereditary neoplastic syndrome; Hereditary Cancer Syndrome. Identifiers: Orphanet 140162, MedGen C0027672, MeSH D009386, MONDO:0015356.

gnomAD v4.1: 10 of 1,613,296 alleles (0.00062%); highest among the groups gnomAD compares: Non-Finnish European, 0.00085%; no homozygotes.

Submission:

Ambry Genetics
Classification: Uncertain significance for Hereditary cancer-predisposing syndrome. Last evaluated: 2026-07-06. Review status: criteria provided, single submitter. Criteria: Ambry Variant Classification Scheme 2023. Collection method: clinical testing. Allele origin: germline.
Comment: The p.R72L variant (also known as c.215G>T), located in coding exon 4 of the MAX gene, results from a G to T substitution at nucleotide position 215. The arginine at codon 72 is replaced by leucine, an amino acid with dissimilar properties. This amino acid position is conserved. In addition, this alteration is predicted to be tolerated by in silico analysis. Based on the available evidence, the clinical significance of this variant remains unclear.

NM_002382.5(MAX):c.172-6220G>T

Gene: MAX (MYC associated transcriptional regulator X; minus strand). Cytogenetic location: 14q23.3.
Variant type: single nucleotide variant.
Coding change: c.172-6220G>T on transcript NM_002382.5 (MANE Select); 6220 bases into the intron before coding-DNA position 172, G replaced by T.
Molecular consequence: intron variant. On other transcripts: missense variant (4), non-coding transcript variant (4).
Genome position (GRCh38, 1-based): chr14:65,084,256, C>A on the plus strand (G>T on the coding strand, the complement: MAX is on the minus strand). VCF-style: chr14-65084256-C-A. GRCh37 (hg19) VCF-style: chr14-65550974-C-A.
Other names: c.188G>T, p.Arg63Leu (NM_001271068.2, NM_001407113.1); c.238G>T, p.Val80Phe (NM_001407114.1); c.215G>T, p.Arg72Leu (NM_145114.3); c.144+9452G>T (NM_001271069.2); c.171+9452G>T (NM_197957.4); c.-196-6220G>T (NM_001407112.1, NM_001407111.1); c.-103-6220G>T (NM_001407106.1, NM_001407107.1, NM_001320415.2 and 1 more transcripts); c.145-6220G>T (NM_001407095.1, NM_001407110.1, NM_001407102.1 and 6 more transcripts); and 2 more; short protein forms R63L, R72L, V80F.
Identifiers: ClinVar variation 5023956 (VCV005023956.1).